The following is an entry in ClinVar:

NM_002582.4(PARN):c.327+3A>C

Gene: PARN (poly(A)-specific ribonuclease; minus strand). Cytogenetic location: 16p13.12.
Variant type: single nucleotide variant.
Coding change: c.327+3A>C on transcript NM_002582.4 (MANE Select); 3 bases into the intron after coding-DNA position 327, A replaced by C.
Molecular consequence: intron variant.
Genome position (GRCh38, 1-based): chr16:14,627,103, T>G on the plus strand (A>C on the coding strand, the complement: PARN is on the minus strand). VCF-style: chr16-14627103-T-G. GRCh37 (hg19) VCF-style: chr16-14720960-T-G.
Other names: c.144+3A>C (NM_001134477.3); c.189+3A>C (NM_001242992.2).
Identifiers: ClinVar variation 3756973 (VCV003756973.2).
Genomic context (GRCh38, chr16:14,627,103, plus strand): 5'-TTCACATTTCCATGCTGCCTCATCAGCAATTCAGAAAAGAAAAATCTCAATTATGCTACT[T>G]ACCTGACAAACAAATTTGACATCTGGTGAGGATCTATTGAAGGGTTTCGGGAAAACATAG-3'

ClinVar aggregate classification (germline): Uncertain significance (1 of 4 stars; one submission).

Conditions:
Dyskeratosis congenita, autosomal recessive 6 (DKCB6). Identifiers: MedGen C4225356, MONDO:0014600, OMIM 616353.
Pulmonary fibrosis and/or bone marrow failure, Telomere-related, 4. Also called: PULMONARY FIBROSIS AND/OR BONE MARROW FAILURE SYNDROME, TELOMERE-RELATED, 4. Identifiers: Orphanet 2032, MedGen C4225347, MONDO:0014612, OMIM 616371.

Submission:

Labcorp Genetics (formerly Invitae), Labcorp
Classification: Uncertain significance for Dyskeratosis congenita, autosomal recessive 6; Pulmonary fibrosis and/or bone marrow failure, Telomere-related, 4. Last evaluated: 2025-04-23. Review status: criteria provided, single submitter. Criteria: Invitae Variant Classification Sherloc (09022015). Collection method: clinical testing. Allele origin: germline.
Comment: This sequence change falls in intron 5 of the PARN gene. It does not directly change the encoded amino acid sequence of the PARN protein. It affects a nucleotide within the consensus splice site. This variant is not present in population databases (gnomAD no frequency). This variant has not been reported in the literature in individuals affected with PARN-related conditions. ClinVar contains an entry for this variant (Variation ID: 3756973). Variants that disrupt the consensus splice site are a relatively common cause of aberrant splicing (PMID: 17576681, 9536098). Algorithms developed to predict the effect of sequence changes on RNA splicing suggest that this variant may disrupt the consensus splice site. In summary, the available evidence is currently insufficient to determine the role of this variant in disease. Therefore, it has been classified as a Variant of Uncertain Significance.

Literature cited by the submitters: PubMed 17576681; PubMed 9536098.